The following is an entry in ClinVar:

NM_020937.4(FANCM):c.508+3A>G

Gene: FANCM (FA complementation group M; plus strand). Cytogenetic location: 14q21.2.
Variant type: single nucleotide variant.
Coding change: c.508+3A>G on transcript NM_020937.4 (MANE Select); 3 bases into the intron after coding-DNA position 508, A replaced by G.
Molecular consequence: intron variant.
Genome position (GRCh38, 1-based): chr14:45,136,542, A>G. VCF-style: chr14-45136542-A-G. GRCh37 (hg19) VCF-style: chr14-45605745-A-G.
Other names: c.508+3A>G (NM_001308133.2, NM_001308134.2).
Identifiers: ClinVar variation 956226 (VCV000956226.7), dbSNP rs775341176, ClinGen allele CA7168778.
Genomic context (GRCh38, chr14:45,136,542, plus strand): 5'-ATCGAGGCTTGCTACCAGGTGATGGGTATCCCGCAATCCCACATGGCCGAAATGACAGGT[A>G]TCTTAGACTGGACTAATTTTGAAGTAAGAGCTGGGAATTCCTGACCCATGTGGAATAGTT-3'

ClinVar aggregate classification (germline): Uncertain significance (1 of 4 stars; one submission).

Conditions:
Fanconi anemia (FA). Also called: Fanconi's anemia. Identifiers: Orphanet 84, MedGen C0015625, MeSH D005199, MONDO:0019391.

Allele frequency attached by ClinVar (database versions not stated): gnomAD exomes below 0.00001; ExAC 0.00001.
gnomAD v4.1: 1 of 1,613,140 alleles (0.000062%); highest among the groups gnomAD compares: South Asian, 0.0011%; no homozygotes.

Submission:

Labcorp Genetics (formerly Invitae), Labcorp
Classification: Uncertain significance for Fanconi anemia. Last evaluated: 2019-07-24. Review status: criteria provided, single submitter. Criteria: Invitae Variant Classification Sherloc (09022015). Collection method: clinical testing. Allele origin: germline.
Comment: This variant is present in population databases (rs775341176, ExAC 0.006%). This variant has not been reported in the literature in individuals with FANCM-related conditions. Nucleotide substitutions within the consensus splice site are a relatively common cause of aberrant splicing (PMID: 17576681, 9536098). Algorithms developed to predict the effect of sequence changes on RNA splicing suggest that this variant may disrupt the consensus splice site, but this prediction has not been confirmed by published transcriptional studies. In summary, the available evidence is currently insufficient to determine the role of this variant in disease. Therefore, it has been classified as a Variant of Uncertain Significance. This sequence change falls in intron 1 of the FANCM gene. It does not directly change the encoded amino acid sequence of the FANCM protein, but it affects a nucleotide within the consensus splice site of the intron.

Literature cited by the submitters: PubMed 17576681; PubMed 9536098.